The following is an entry in ClinVar:

NM_015272.5(RPGRIP1L):c.1694_1695del (p.Leu565fs)

Gene: RPGRIP1L (RPGRIP1 like; minus strand). Cytogenetic location: 16q12.2.
Variant type: Deletion.
Coding change: c.1694_1695del on transcript NM_015272.5 (MANE Select); coding-DNA positions 1694 to 1695, 2 bases deleted (TA; older notation c.1694_1695delTA).
Protein change: p.Leu565fs; shifts the reading frame from leucine 565.
Molecular consequence: frameshift variant.
Genome position (GRCh38, 1-based): chr16:53,656,476-53,656,477, TA deleted on the plus strand (TA on the coding strand, the reverse complement: RPGRIP1L is on the minus strand). VCF-style (leftmost placement, unchanged base first): chr16-53656475-CTA-C. GRCh37 (hg19) VCF-style: chr16-53690387-CTA-C.
Other names: c.1694_1695del, p.Leu565fs (NM_001127897.4, NM_001308334.3, NM_001330538.2); short protein forms L565fs.
Identifiers: ClinVar variation 3342859 (VCV003342859.1).
Genomic context (GRCh38, chr16:53,656,475, plus strand): 5'-CTGTTATAAAATCCATTCCTCTAGTTACTGTGGACCAAAAAATCGTATATGTTGTACCTT[CTA>C]GTTTATGGATACGTGCAGCCCTGATATCAAGAAGATGAACATACTGTTCCACTTTGAGTT-3'

ClinVar aggregate classification (germline): Likely pathogenic (1 of 4 stars; one submission).

Submission:

GeneDx
Classification: Likely pathogenic. Last evaluated: 2023-08-24. Review status: criteria provided, single submitter. Criteria: GeneDx Variant Classification Process June 2021. Collection method: clinical testing. Allele origin: germline. Affected: yes.
Comment: Frameshift variant predicted to result in protein truncation or nonsense mediated decay in a gene for which loss of function is a known mechanism of disease; Not observed at significant frequency in large population cohorts (gnomAD); Has not been previously published as pathogenic or benign to our knowledge; This variant is associated with the following publications: (PMID: 31964843)